The following is an entry in ClinVar:

NM_004006.3(DMD):c.2511T>A (p.Asn837Lys)

Gene: DMD (dystrophin; minus strand). Cytogenetic location: Xp21.1.
Variant type: single nucleotide variant.
Coding change: c.2511T>A on transcript NM_004006.3 (MANE Select); coding-DNA position 2511, T replaced by A.
Protein change: p.Asn837Lys; replaces asparagine 837 with lysine.
Molecular consequence: missense variant.
Genome position (GRCh38, 1-based): chrX:32,491,388, A>T on the plus strand (T>A on the coding strand, the complement: DMD is on the minus strand). VCF-style: chrX-32491388-A-T. GRCh37 (hg19) VCF-style: chrX-32509505-A-T.
Other names: c.2487T>A, p.Asn829Lys (NM_000109.4); c.2499T>A, p.Asn833Lys (NM_004009.3); c.2142T>A, p.Asn714Lys (NM_004010.3); short protein forms N829K, N833K, N837K, N714K.
Identifiers: ClinVar variation 2819796 (VCV002819796.3), dbSNP rs2525052240, ClinGen allele CA412672317.

ClinVar aggregate classification (germline): Uncertain significance (1 of 4 stars; one submission).

Conditions:
Duchenne muscular dystrophy (DMD). Also called: MUSCULAR DYSTROPHY, PSEUDOHYPERTROPHIC PROGRESSIVE, DUCHENNE TYPE; Duchenne Muscular Dystrophy (DMD). Identifiers: Orphanet 98896, MedGen C0013264, MONDO:0010679, OMIM 310200.

Submission:

Labcorp Genetics (formerly Invitae), Labcorp
Classification: Uncertain significance for Duchenne muscular dystrophy. Last evaluated: 2025-09-15. Review status: criteria provided, single submitter. Criteria: Invitae Variant Classification Sherloc (09022015). Collection method: clinical testing. Allele origin: germline.
Comment: This sequence change replaces asparagine, which is neutral and polar, with lysine, which is basic and polar, at codon 837 of the DMD protein (p.Asn837Lys). This variant is not present in population databases (gnomAD no frequency). This variant has not been reported in the literature in individuals affected with DMD-related conditions. ClinVar contains an entry for this variant (Variation ID: 2819796). Invitae Evidence Modeling of protein sequence and biophysical properties (such as structural, functional, and spatial information, amino acid conservation, physicochemical variation, residue mobility, and thermodynamic stability) indicates that this missense variant is not expected to disrupt DMD protein function with a negative predictive value of 95%. In summary, the available evidence is currently insufficient to determine the role of this variant in disease. Therefore, it has been classified as a Variant of Uncertain Significance.